The following is an entry in ClinVar:

ClinVar aggregate classification (germline): Pathogenic. Review status: criteria provided, multiple submitters, no conflicts (2 of 4 stars). 3 submissions from 3 submitters: Pathogenic (3). Last evaluated 2023-09-06.

Conditions:
Hereditary cancer-predisposing syndrome. Also called: Hereditary Cancer Syndrome; Neoplastic Syndromes, Hereditary; Tumor predisposition; Hereditary neoplastic syndrome. Identifiers: Orphanet 140162, MedGen C0027672, MeSH D009386, MONDO:0015356.
Familial cancer of breast. Also called: BREAST CANCER, FAMILIAL; Hereditary breast cancer; hereditary breast carcinoma. Identifiers: Orphanet 227535, MedGen C0346153, MONDO:0016419, OMIM 114480. Disease mechanism: loss of function.

Submissions (3):

Myriad Genetics, Inc.
Classification: Pathogenic for Familial cancer of breast. Last evaluated: 2023-09-06. Review status: criteria provided, single submitter. Criteria: Myriad Autosomal Dominant, Autosomal Recessive and X-Linked Classification Criteria (2023). Collection method: clinical testing. Allele origin: unknown.
Comment: This variant is considered pathogenic. This variant creates a frameshift predicted to result in premature protein truncation.

Labcorp Genetics (formerly Invitae), Labcorp
Classification: Pathogenic for Familial cancer of breast. Last evaluated: 2023-05-24. Review status: criteria provided, single submitter. Criteria: Invitae Variant Classification Sherloc (09022015). Collection method: clinical testing. Allele origin: germline.
Comment: ClinVar contains an entry for this variant (Variation ID: 1745977). For these reasons, this variant has been classified as Pathogenic. This variant has not been reported in the literature in individuals affected with PALB2-related conditions. This variant is not present in population databases (gnomAD no frequency). This sequence change creates a premature translational stop signal (p.Arg175Aspfs*2) in the PALB2 gene. It is expected to result in an absent or disrupted protein product. Loss-of-function variants in PALB2 are known to be pathogenic (PMID: 17200668, 17200671, 17200672, 24136930, 25099575).

Ambry Genetics
Classification: Pathogenic for Hereditary cancer-predisposing syndrome. Last evaluated: 2019-06-14. Review status: criteria provided, single submitter. Criteria: Ambry Variant Classification Scheme 2023. Collection method: clinical testing. Allele origin: germline.
Comment: The c.519delG pathogenic mutation, located in coding exon 4 of the PALB2 gene, results from a deletion of one nucleotide at nucleotide position 519, causing a translational frameshift with a predicted alternate stop codon (p.R175Dfs*2). This alteration is expected to result in loss of function by premature protein truncation or nonsense-mediated mRNA decay. As such, this alteration is interpreted as a disease-causing mutation.

Literature cited by the submitters: PubMed 17200668 (cited by Labcorp Genetics (formerly Invitae), Labcorp); PubMed 17200671 (cited by Labcorp Genetics (formerly Invitae), Labcorp); PubMed 17200672 (cited by Labcorp Genetics (formerly Invitae), Labcorp); PubMed 24136930 (cited by Labcorp Genetics (formerly Invitae), Labcorp); PubMed 25099575 (cited by Labcorp Genetics (formerly Invitae), Labcorp).

NM_024675.4(PALB2):c.519del (p.Arg175fs)

Gene: PALB2 (partner and localizer of BRCA2; minus strand). Cytogenetic location: 16p12.2.
Variant type: Deletion.
Coding change: c.519del on transcript NM_024675.4 (MANE Select); coding-DNA position 519, one base deleted (G; older notation c.519delG).
Protein change: p.Arg175fs; shifts the reading frame from arginine 175.
Molecular consequence: frameshift variant.
Genome position (GRCh38, 1-based): chr16:23,636,027, C deleted on the plus strand (G on the coding strand, the reverse complement: PALB2 is on the minus strand); the first of 3 consecutive C bases (chr16:23,636,027-23,636,029); deleting any one gives the same sequence. VCF-style (leftmost placement, unchanged base first): chr16-23636026-TC-T. GRCh37 (hg19) VCF-style: chr16-23647347-TC-T.
Other names: c.457delG, p.Arg155Aspfs (NM_001407296.1); c.517delG, p.Arg175Aspfs (NM_001407297.1, NM_001407298.1, NM_001407299.1 and 3 more transcripts); c.-369delG (NM_001407304.1, NM_001407305.1, NM_001407306.1 and 5 more transcripts); c.519delG (NM_024675.3); short protein forms R175fs.
Identifiers: ClinVar variation 1745977 (VCV001745977.6), dbSNP rs2506509176, ClinGen allele CA2580091367.